The following is an entry in ClinVar:

NM_018714.3(COG1):c.2665del (p.Arg889fs)

Gene: COG1 (component of oligomeric golgi complex 1; plus strand). Cytogenetic location: 17q25.1.
Variant type: Deletion.
Coding change: c.2665del on transcript NM_018714.3 (MANE Select); coding-DNA position 2665, one base deleted (C; older notation c.2665delC).
Protein change: p.Arg889fs; shifts the reading frame from arginine 889.
Molecular consequence: frameshift variant.
Genome position (GRCh38, 1-based): chr17:73,206,753, C deleted; the last of 6 consecutive C bases (chr17:73,206,748-73,206,753); deleting any one gives the same sequence. VCF-style (leftmost placement, unchanged base first): chr17-73206747-GC-G. GRCh37 (hg19) VCF-style: chr17-71202886-GC-G.
Other names: short protein forms R889fs.
Identifiers: ClinVar variation 3728028 (VCV003728028.2).

ClinVar aggregate classification (germline): Pathogenic (1 of 4 stars; one submission).

Conditions:
COG1 congenital disorder of glycosylation (CDG2G). Also called: CONGENITAL DISORDER OF GLYCOSYLATION, TYPE IIg; CDG IIg; CDGII/COG1 CEREBROCOSTOMANDIBULAR-LIKE SYNDROME. Identifiers: Orphanet 263508, MedGen C2931011, MONDO:0012637, OMIM 611209.

Submission:

Labcorp Genetics (formerly Invitae), Labcorp
Classification: Pathogenic for COG1 congenital disorder of glycosylation. Last evaluated: 2024-12-24. Review status: criteria provided, single submitter. Criteria: Invitae Variant Classification Sherloc (09022015). Collection method: clinical testing. Allele origin: germline.
Comment: This sequence change creates a premature translational stop signal (p.Arg889Glyfs*28) in the COG1 gene. It is expected to result in an absent or disrupted protein product. Loss-of-function variants in COG1 are known to be pathogenic (PMID: 16537452). This variant is not present in population databases (gnomAD no frequency). This variant has not been reported in the literature in individuals affected with COG1-related conditions. For these reasons, this variant has been classified as Pathogenic.

Literature cited by the submitters: PubMed 16537452.